The following is an entry in ClinVar:

NM_022168.4(IFIH1):c.242A>C (p.Glu81Ala)

Gene: IFIH1 (interferon induced with helicase C domain 1; minus strand). Cytogenetic location: 2q24.2.
Variant type: single nucleotide variant.
Coding change: c.242A>C on transcript NM_022168.4 (MANE Select); coding-DNA position 242, A replaced by C.
Protein change: p.Glu81Ala; replaces glutamic acid 81 with alanine.
Molecular consequence: missense variant.
Genome position (GRCh38, 1-based): chr2:162,318,066, T>G on the plus strand (A>C on the coding strand, the complement: IFIH1 is on the minus strand). VCF-style: chr2-162318066-T-G. GRCh37 (hg19) VCF-style: chr2-163174576-T-G.
Other names: short protein forms E81A.
Identifiers: ClinVar variation 1371085 (VCV001371085.6), dbSNP rs1168844368, ClinGen allele CA349013777.

ClinVar aggregate classification (germline): Uncertain significance (1 of 4 stars; one submission).

Conditions:
Singleton-Merten syndrome 1 (SGMRT1). Also called: Widened medullary cavities of bone, aortic calcification, abnormal dentition, and muscular weakness; Syndrome of widened medullary cavities of the metacarpals and phalanges, aortic calcification and abnormal dentition. Identifiers: Orphanet 85191, MedGen C4225427, MONDO:0024535, OMIM 182250.
Aicardi-Goutieres syndrome 7 (AGS7). Identifiers: Orphanet 51, MedGen C3888244, MONDO:0014367, OMIM 615846.

Allele frequency attached by ClinVar (database versions not stated): gnomAD exomes below 0.00001 and 0.00005; TOPMed 0.00001.
gnomAD v4.1: 72 of 1,614,140 alleles (0.0045%); highest among the groups gnomAD compares: Non-Finnish European, 0.0058%; no homozygotes.

Submission:

Labcorp Genetics (formerly Invitae), Labcorp
Classification: Uncertain significance for Aicardi-Goutieres syndrome 7; Singleton-Merten syndrome 1. Last evaluated: 2024-06-05. Review status: criteria provided, single submitter. Criteria: Invitae Variant Classification Sherloc (09022015). Collection method: clinical testing. Allele origin: germline.
Comment: This sequence change replaces glutamic acid, which is acidic and polar, with alanine, which is neutral and non-polar, at codon 81 of the IFIH1 protein (p.Glu81Ala). This variant is present in population databases (no rsID available, gnomAD 0.0009%). This variant has not been reported in the literature in individuals affected with IFIH1-related conditions. ClinVar contains an entry for this variant (Variation ID: 1371085). Advanced modeling of protein sequence and biophysical properties (such as structural, functional, and spatial information, amino acid conservation, physicochemical variation, residue mobility, and thermodynamic stability) has been performed at Invitae for this missense variant, however the output from this modeling did not meet the statistical confidence thresholds required to predict the impact of this variant on IFIH1 protein function. In summary, the available evidence is currently insufficient to determine the role of this variant in disease. Therefore, it has been classified as a Variant of Uncertain Significance.